The following is an entry in ClinVar:

NM_001379110.1(SLC9A6):c.2021C>T (p.Thr674Met)

Gene: SLC9A6 (solute carrier family 9 member A6; plus strand). Cytogenetic location: Xq26.3.
Variant type: single nucleotide variant.
Coding change: c.2021C>T on transcript NM_001379110.1 (MANE Select); coding-DNA position 2021, C replaced by T.
Protein change: p.Thr674Met; replaces threonine 674 with methionine.
Molecular consequence: missense variant.
Genome position (GRCh38, 1-based): chrX:136,044,705, C>T. VCF-style: chrX-136044705-C-T. GRCh37 (hg19) VCF-style: chrX-135126864-C-T.
Other names: NM_001379110.1(SLC9A6):c.2021C>T; p.Thr674Met; c.2087C>T, p.Thr696Met (NM_001042537.2); c.1931C>T, p.Thr644Met (NM_001177651.2); c.1835C>T, p.Thr612Met (NM_001330652.2); c.1991C>T, p.Thr664Met (NM_006359.3); short protein forms T696M, T664M, T612M, T644M, T674M.
Identifiers: ClinVar variation 281815 (VCV000281815.12), dbSNP rs886044780, ClinGen allele CA10603972.

ClinVar aggregate classification (germline): Benign. Review status: reviewed by expert panel (3 of 4 stars). 5 submissions from 5 submitters: Benign (1). 4 of the submissions do not count toward it. Last evaluated 2024-08-30.

Conditions:
Christianson syndrome (MRXSCH). Also called: INTELLECTUAL DEVELOPMENTAL DISORDER, X-LINKED, SYNDROMIC, CHRISTIANSON TYPE; SLC9A6-Related Syndromic Mental Retardation; X-linked mental retardation, syndromic, Christianson type. Identifiers: Orphanet 85278, MedGen C2678194, MONDO:0010278, OMIM 300243.
Inborn genetic diseases. Identifiers: MedGen C0950123, MeSH D030342.

Allele frequency attached by ClinVar (database versions not stated): gnomAD exomes 0.00001 and 0.00002; TOPMed 0.00002; gnomAD 0.00004.
gnomAD v4.1: 22 of 1,208,739 alleles (0.0018%); highest among the groups gnomAD compares: Middle Eastern, 0.11%; no homozygotes.

Submissions (5):

ClinGen Rett and Angelman-like Disorders Variant Curation Expert Panel
Classification: Benign for Christianson syndrome. Last evaluated: 2024-08-30. Review status: reviewed by expert panel. Criteria: ClinGen RettAS ACMG Specifications SLC9A6 V3.0.0. Collection method: curation. Allele origin: germline. Inheritance: X-linked inheritance.
Comment: The highest population minor allele frequency of the p.Thr674Met variant in SLC9A6 in gnomAD v4.1 is 0.001143 in the Middle Eastern population, which is higher than the ClinGen Rett and Angelman-like Disorders VCEP threshold (≥0.0003) for BA1, and therefore meets this criterion (BA1). The p.Thr674Met variant is observed in at least 2 unaffected individuals (internal database - GeneDx) (BS2). Computational analysis prediction tools suggest that the p.Thr674Met variant does not have a deleterious impact; however this information does not predict clinical significance on its own (BP4). The p.Thr674Met variant is found in at least 3 patients with an alternate molecular basis of disease (internal database - GeneDx) (BP5_Strong). In summary, the p.Thr674Met variant in SLC9A6 is classified as benign based on the ACMG/AMP criteria (BA1, BS2, BP4, BP5_Strong). (SLC9A6 Specifications v3.0.0, curation approved on 8/30/2024)

Ambry Genetics
Classification: Uncertain significance for Inborn genetic diseases. Last evaluated: 2025-08-24. Review status: criteria provided, single submitter. Criteria: Ambry Variant Classification Scheme 2023. Collection method: clinical testing. Allele origin: germline. Not counted in ClinVar's aggregate classification.

Labcorp Genetics (formerly Invitae), Labcorp
Classification: Uncertain significance for Christianson syndrome. Last evaluated: 2024-06-13. Review status: criteria provided, single submitter. Criteria: Invitae Variant Classification Sherloc (09022015). Collection method: clinical testing. Allele origin: germline. Not counted in ClinVar's aggregate classification.
Comment: This sequence change replaces threonine, which is neutral and polar, with methionine, which is neutral and non-polar, at codon 664 of the SLC9A6 protein (p.Thr664Met). This variant is present in population databases (no rsID available, gnomAD 0.003%), including at least one homozygous and/or hemizygous individual. This variant has not been reported in the literature in individuals affected with SLC9A6-related conditions. ClinVar contains an entry for this variant (Variation ID: 281815). An algorithm developed to predict the effect of missense changes on protein structure and function (PolyPhen-2) suggests that this variant is likely to be tolerated. In summary, the available evidence is currently insufficient to determine the role of this variant in disease. Therefore, it has been classified as a Variant of Uncertain Significance.

GeneDx
Classification: Likely benign. Last evaluated: 2016-09-06. Review status: criteria provided, single submitter. Criteria: GeneDx Variant Classification (06012015). Collection method: clinical testing. Allele origin: germline. Affected: yes. Not counted in ClinVar's aggregate classification.
Comment: This variant is considered likely benign or benign based on one or more of the following criteria: it is a conservative change, it occurs at a poorly conserved position in the protein, it is predicted to be benign by multiple in silico algorithms, and/or has population frequency not consistent with disease.

Eurofins Ntd Llc (ga)
Classification: Uncertain significance. Last evaluated: 2015-07-10. Review status: criteria provided, single submitter. Criteria: EGL Classification Definitions 2015. Collection method: clinical testing. Allele origin: germline. Observed: 2 variant alleles, 1 heterozygote, 1 hemizygote. Not counted in ClinVar's aggregate classification.